The following is an entry in ClinVar:

NM_006922.4(SCN3A):c.1300A>G (p.Thr434Ala)

Gene: SCN3A (sodium voltage-gated channel alpha subunit 3; minus strand). Cytogenetic location: 2q24.3.
Variant type: single nucleotide variant.
Coding change: c.1300A>G on transcript NM_006922.4 (MANE Select); coding-DNA position 1300, A replaced by G.
Protein change: p.Thr434Ala; replaces threonine 434 with alanine.
Molecular consequence: missense variant.
Genome position (GRCh38, 1-based): chr2:165,154,532, T>C on the plus strand (A>G on the coding strand, the complement: SCN3A is on the minus strand). VCF-style: chr2-165154532-T-C. GRCh37 (hg19) VCF-style: chr2-166011042-T-C.
Other names: c.1300A>G, p.Thr434Ala (NM_001081676.2, NM_001081677.2); short protein forms T434A.
Identifiers: ClinVar variation 4799820 (VCV004799820.1).

ClinVar aggregate classification (germline): Uncertain significance (1 of 4 stars; one submission).

gnomAD v4.1: 5 of 1,614,036 alleles (0.00031%); highest among the groups gnomAD compares: Non-Finnish European, 0.00042%; no homozygotes.

Submission:

Labcorp Genetics (formerly Invitae), Labcorp
Classification: Uncertain significance. Last evaluated: 2025-05-26. Review status: criteria provided, single submitter. Criteria: Invitae Variant Classification Sherloc (09022015). Collection method: clinical testing. Allele origin: germline.
Comment: This sequence change replaces threonine, which is neutral and polar, with alanine, which is neutral and non-polar, at codon 434 of the SCN3A protein (p.Thr434Ala). This variant is present in population databases (no rsID available, gnomAD 0.0009%). This variant has not been reported in the literature in individuals affected with SCN3A-related conditions. Invitae Evidence Modeling of protein sequence and biophysical properties (such as structural, functional, and spatial information, amino acid conservation, physicochemical variation, residue mobility, and thermodynamic stability) has been performed for this missense variant. However, the output from this modeling did not meet the statistical confidence thresholds required to predict the impact of this variant on SCN3A protein function. In summary, the available evidence is currently insufficient to determine the role of this variant in disease. Therefore, it has been classified as a Variant of Uncertain Significance.